The following is an entry in ClinVar:

ClinVar aggregate classification (germline): Uncertain significance. Review status: criteria provided, multiple submitters, no conflicts (2 of 4 stars). 5 submissions from 5 submitters: Uncertain significance (5). Last evaluated 2026-01-01.

Conditions:
Myopathy, centronuclear, 2 (CNM2). Also called: MYOTUBULAR MYOPATHY, AUTOSOMAL RECESSIVE. Identifiers: Orphanet 169186, MedGen CN031787, MONDO:0009709, OMIM 255200.
Inborn genetic diseases. Identifiers: MedGen C0950123, MeSH D030342.

Allele frequency attached by ClinVar (database versions not stated): gnomAD exomes 0.00001 and 0.00007; TOPMed 0.00003; gnomAD 0.00007; ESP Exome Variant Server 0.00008.
gnomAD v4.1: 107 of 1,551,086 alleles (0.0069%); highest among the groups gnomAD compares: Non-Finnish European, 0.0083%; no homozygotes.

Submissions (5):

CeGaT Center for Human Genetics Tuebingen
Classification: Uncertain significance. Last evaluated: 2026-01-01. Review status: criteria provided, single submitter. Criteria: CeGaT Center For Human Genetics Tuebingen Variant Classification Criteria Version 2. Collection method: clinical testing. Allele origin: germline. Affected: yes. Observed: 1 variant allele.
Comment: BIN1: PM2

Ambry Genetics
Classification: Uncertain significance for Inborn genetic diseases. Last evaluated: 2025-01-26. Review status: criteria provided, single submitter. Criteria: Ambry Variant Classification Scheme 2023. Collection method: clinical testing. Allele origin: germline.

Mayo Clinic Laboratories, Mayo Clinic
Classification: Uncertain significance. Last evaluated: 2024-09-18. Review status: criteria provided, single submitter. Criteria: ACMG Guidelines, 2015. Collection method: clinical testing. Allele origin: germline. Observed: 1 variant allele.
Comment: BP4

Labcorp Genetics (formerly Invitae), Labcorp
Classification: Uncertain significance for Myopathy, centronuclear, 2. Last evaluated: 2024-01-05. Review status: criteria provided, single submitter. Criteria: Invitae Variant Classification Sherloc (09022015). Collection method: clinical testing. Allele origin: germline.
Comment: This sequence change replaces aspartic acid, which is acidic and polar, with glycine, which is neutral and non-polar, at codon 394 of the BIN1 protein (p.Asp394Gly). The frequency data for this variant in the population databases is considered unreliable, as metrics indicate poor data quality at this position in the gnomAD database. This variant has not been reported in the literature in individuals affected with BIN1-related conditions. ClinVar contains an entry for this variant (Variation ID: 664184). An algorithm developed to predict the effect of missense changes on protein structure and function (PolyPhen-2) suggests that this variant is likely to be disruptive. Algorithms developed to predict the effect of sequence changes on RNA splicing suggest that this variant may disrupt the consensus splice site. In summary, the available evidence is currently insufficient to determine the role of this variant in disease. Therefore, it has been classified as a Variant of Uncertain Significance.

Revvity Omics, Revvity
Classification: Uncertain significance for Myopathy, centronuclear, 2. Last evaluated: 2019-10-14. Review status: criteria provided, single submitter. Criteria: ACMG Guidelines, 2015. Collection method: clinical testing. Allele origin: germline.

NM_139343.3(BIN1):c.1181A>G (p.Asp394Gly)

Gene: BIN1 (bridging integrator 1; minus strand). Cytogenetic location: 2q14.3.
Variant type: single nucleotide variant.
Coding change: c.1181A>G on transcript NM_139343.3 (MANE Select); coding-DNA position 1181, A replaced by G.
Protein change: p.Asp394Gly; replaces aspartic acid 394 with glycine.
Molecular consequence: missense variant. On other transcripts: intron variant (12).
Genome position (GRCh38, 1-based): chr2:127,053,963, T>C on the plus strand (A>G on the coding strand, the complement: BIN1 is on the minus strand). VCF-style: chr2-127053963-T-C. GRCh37 (hg19) VCF-style: chr2-127811539-T-C.
Other names: p.Asp394Gly; c.1088A>G, p.Asp363Gly (NM_001320641.2); c.1100A>G, p.Asp367Gly (NM_001320642.1); c.1052A>G, p.Asp351Gly (NM_139344.3); c.838-3051A>G (NM_001320634.1); c.910-3051A>G (NM_139351.3); c.910-2720A>G (NM_139350.3); c.910-1601A>G (NM_139349.3); and 8 more; short protein forms D363G, D367G, D394G, D351G.
Identifiers: ClinVar variation 664184 (VCV000664184.16), dbSNP rs375322787, ClinGen allele CA55340352.